The following is an entry in ClinVar:

NM_001042492.3(NF1):c.7457+3A>T

Gene: NF1 (neurofibromin 1; plus strand). Cytogenetic location: 17q11.2.
Variant type: single nucleotide variant.
Coding change: c.7457+3A>T on transcript NM_001042492.3 (MANE Select); 3 bases into the intron after coding-DNA position 7457, A replaced by T.
Molecular consequence: intron variant.
Genome position (GRCh38, 1-based): chr17:31,350,321, A>T. VCF-style: chr17-31350321-A-T. GRCh37 (hg19) VCF-style: chr17-29677339-A-T.
Other names: c.7394+3A>T (NM_000267.4).
Identifiers: ClinVar variation 4032763 (VCV004032763.1).

ClinVar aggregate classification (germline): Uncertain significance (1 of 4 stars; one submission).

Conditions:
Cardiovascular phenotype. Identifiers: MedGen CN230736.
Hereditary cancer-predisposing syndrome. Also called: Neoplastic Syndromes, Hereditary; Tumor predisposition; Hereditary neoplastic syndrome; Hereditary Cancer Syndrome. Identifiers: Orphanet 140162, MedGen C0027672, MeSH D009386, MONDO:0015356.

Submission:

Ambry Genetics
Classification: Uncertain significance for Cardiovascular phenotype; Hereditary cancer-predisposing syndrome. Last evaluated: 2025-05-30. Review status: criteria provided, single submitter. Criteria: Ambry Variant Classification Scheme 2023. Collection method: clinical testing. Allele origin: germline.
Comment: The c.7394+3A>T intronic variant results from an A to T substitution 3 nucleotides after coding exon 49 in the NF1 gene. This nucleotide position is not well conserved in available vertebrate species. In silico splice site analysis predicts that this alteration will not have any significant effect on splicing. Based on the available evidence, the clinical significance of this variant remains unclear.